The following is an entry in ClinVar:

NM_004183.4(BEST1):c.867G>A (p.Lys289=)

Gene: BEST1 (bestrophin 1; plus strand). Cytogenetic location: 11q12.3.
Variant type: single nucleotide variant.
Coding change: c.867G>A on transcript NM_004183.4 (MANE Select); coding-DNA position 867, G replaced by A.
Protein change: p.Lys289=; no amino-acid change (lysine 289 retained).
Molecular consequence: synonymous variant. On other transcripts: non-coding transcript variant (1).
Genome position (GRCh38, 1-based): chr11:61,958,298, G>A. VCF-style: chr11-61958298-G-A. GRCh37 (hg19) VCF-style: chr11-61725770-G-A.
Other names: c.867G>A, p.Lys289= (NM_001363592.2); c.-309G>A (NM_001363593.3); c.687G>A, p.Lys229= (NM_001139443.3, NM_001300786.2, NM_001300787.2); c.549G>A, p.Lys183= (NM_001363591.3).
Identifiers: ClinVar variation 1006564 (VCV001006564.7), dbSNP rs778383234, ClinGen allele CA6040872.
Genomic context (GRCh38, chr11:61,958,298, plus strand): 5'-GGACCTCGTTGTGCCCGTCTTCACGTTCCTGCAGTTCTTCTTCTATGTTGGCTGGCTGAA[G>A]GTGGGCCTCTCCAGGGCCCTGCTGGGCTGGAGGCATGGCCAGAGGGGTCATGGCCAGCAG-3'
Protein context (NP_004174.1, residues 279-299): LQFFFYVGWL[Lys289=]VAEQLINPFG

ClinVar aggregate classification (germline): Uncertain significance. Review status: criteria provided, multiple submitters, no conflicts (2 of 4 stars). 2 submissions from 2 submitters: Uncertain significance (2). Last evaluated 2023-02-20.

Allele frequency attached by ClinVar (database versions not stated): gnomAD exomes below 0.00001; ExAC 0.00001.
gnomAD v4.1: 3 of 1,614,248 alleles (0.00019%); highest among the groups gnomAD compares: South Asian, 0.0022%; no homozygotes.

Submissions (2):

Blueprint Genetics
Classification: Uncertain significance. Last evaluated: 2023-02-20. Review status: criteria provided, single submitter. Criteria: ACMG Guidelines, 2015. Collection method: clinical testing. Allele origin: germline.

Labcorp Genetics (formerly Invitae), Labcorp
Classification: Uncertain significance. Last evaluated: 2022-02-03. Review status: criteria provided, single submitter. Criteria: Invitae Variant Classification Sherloc (09022015). Collection method: clinical testing. Allele origin: germline.
Comment: In summary, the available evidence is currently insufficient to determine the role of this variant in disease. Therefore, it has been classified as a Variant of Uncertain Significance. This sequence change affects codon 289 of the BEST1 mRNA. It is a 'silent' change, meaning that it does not change the encoded amino acid sequence of the BEST1 protein. This variant also falls at the last nucleotide of exon 7, which is part of the consensus splice site for this exon. This variant is present in population databases (rs778383234, gnomAD 0.003%). This variant has not been reported in the literature in individuals affected with BEST1-related conditions. ClinVar contains an entry for this variant (Variation ID: 1006564). Variants that disrupt the consensus splice site are a relatively common cause of aberrant splicing (PMID: 17576681, 9536098). Algorithms developed to predict the effect of sequence changes on RNA splicing suggest that this variant may disrupt the consensus splice site.

Literature cited by the submitters: PubMed 17576681 (cited by Labcorp Genetics (formerly Invitae), Labcorp); PubMed 9536098 (cited by Labcorp Genetics (formerly Invitae), Labcorp).